The following is an entry in ClinVar:

ClinVar aggregate classification (germline): Uncertain significance (1 of 4 stars; one submission).

Submission:

Greenwood Genetic Center Diagnostic Laboratories, Greenwood Genetic Center
Classification: Uncertain significance. Last evaluated: 2023-07-05. Review status: criteria provided, single submitter. Criteria: ACMG Guidelines, 2015. Collection method: clinical testing. Allele origin: germline. Affected: yes.
Comment: PM2, PP2

NM_000088.4(COL1A1):c.1538C>T (p.Ser513Phe)

Gene: COL1A1 (collagen type I alpha 1 chain; minus strand). Cytogenetic location: 17q21.33.
Variant type: single nucleotide variant.
Coding change: c.1538C>T on transcript NM_000088.4 (MANE Select); coding-DNA position 1538, C replaced by T.
Protein change: p.Ser513Phe; replaces serine 513 with phenylalanine.
Molecular consequence: missense variant.
Genome position (GRCh38, 1-based): chr17:50,194,425, G>A on the plus strand (C>T on the coding strand, the complement: COL1A1 is on the minus strand). VCF-style: chr17-50194425-G-A. GRCh37 (hg19) VCF-style: chr17-48271786-G-A.
Other names: short protein forms S513F.
Identifiers: ClinVar variation 2626892 (VCV002626892.1), dbSNP rs2509219301, ClinGen allele CA400216861.